The following is an entry in ClinVar:

NM_005918.4(MDH2):c.465C>G (p.Phe155Leu)

Gene: MDH2 (malate dehydrogenase 2; plus strand). Cytogenetic location: 7q11.23.
Variant type: single nucleotide variant.
Coding change: c.465C>G on transcript NM_005918.4 (MANE Select); coding-DNA position 465, C replaced by G.
Protein change: p.Phe155Leu; replaces phenylalanine 155 with leucine.
Molecular consequence: missense variant. On other transcripts: intron variant (1).
Genome position (GRCh38, 1-based): chr7:76,060,408, C>G. VCF-style: chr7-76060408-C-G. GRCh37 (hg19) VCF-style: chr7-75689726-C-G.
Other names: c.429+2330C>G (NM_001282403.2); c.144C>G, p.Phe48Leu (NM_001282404.2); short protein forms F48L, F155L.
Identifiers: ClinVar variation 1033044 (VCV001033044.1), dbSNP rs1797912166, ClinGen allele CA367764841.

ClinVar aggregate classification (germline): Uncertain significance (1 of 4 stars; one submission).

Conditions:
Developmental and epileptic encephalopathy, 51 (DEE51). Also called: Epileptic encephalopathy, early infantile, 51. Identifiers: MedGen C4479208, MONDO:0015025, OMIM 617339.

Submission:

Baylor Genetics
Classification: Uncertain significance for Developmental and epileptic encephalopathy, 51. Last evaluated: 2018-06-28. Review status: criteria provided, single submitter. Criteria: ACMG Guidelines, 2015. Collection method: clinical testing. Allele origin: maternal. Affected: yes.
Comment: This variant was determined to be of uncertain significance according to ACMG Guidelines, 2015 [PMID:25741868].